The following is an entry in ClinVar:

ClinVar aggregate classification (germline): Benign/Likely benign. Review status: criteria provided, multiple submitters, no conflicts (2 of 4 stars). 9 submissions from 9 submitters: Benign (2); Likely benign (6). 1 of the submissions does not count toward it. Last evaluated 2026-04-01.

Conditions:
Cardiovascular phenotype. Identifiers: MedGen CN230736.
Glycogen storage disease, type II (IOPD). Also called: Acid maltase deficiency disease; Aglucosidase alfa; Deficiency of alpha-glucosidase; Deficiency of lysosomal alpha-glucosidase; POMPE DISEASE, INFANTILE-ONSET; GLYCOGEN STORAGE DISEASE II, INFANTILE-ONSET. Identifiers: Orphanet 365, MedGen C0017921, MONDO:0009290, OMIM 232300.

Allele frequency attached by ClinVar (database versions not stated): gnomAD exomes 0.00017 and 0.00094; gnomAD 0.00031 and 0.00042; TOPMed 0.00043; ExAC 0.00101; 1000 Genomes Project 30x 0.00250; 1000 Genomes Project 0.00319.
gnomAD v4.1: 318 of 1,608,308 alleles (0.02%); highest among the groups gnomAD compares: East Asian, 0.64%; 3 homozygotes.

Submissions (9):

CeGaT Center for Human Genetics Tuebingen
Classification: Likely benign. Last evaluated: 2026-04-01. Review status: criteria provided, single submitter. Criteria: CeGaT Center For Human Genetics Tuebingen Variant Classification Criteria Version 2. Collection method: clinical testing. Allele origin: germline. Affected: yes. Observed: 1 variant allele.
Comment: GAA: BP4, BP7

Labcorp Genetics (formerly Invitae), Labcorp
Classification: Benign for Glycogen storage disease, type II. Last evaluated: 2026-01-28. Review status: criteria provided, single submitter. Criteria: Invitae Variant Classification Sherloc (09022015). Collection method: clinical testing. Allele origin: germline.

Blueprint Genetics
Classification: Likely benign. Last evaluated: 2024-10-08. Review status: criteria provided, single submitter. Criteria: ACMG Guidelines, 2015. Collection method: clinical testing. Allele origin: germline.

Ambry Genetics
Classification: Likely benign for Cardiovascular phenotype. Last evaluated: 2022-03-03. Review status: criteria provided, single submitter. Criteria: Ambry Variant Classification Scheme 2023. Collection method: clinical testing. Allele origin: germline.

GeneDx
Classification: Likely benign. Last evaluated: 2021-07-09. Review status: criteria provided, single submitter. Criteria: GeneDx Variant Classification Process June 2021. Collection method: clinical testing. Allele origin: germline. Affected: yes.

Broad Center for Mendelian Genomics, Broad Institute of MIT and Harvard
Classification: Benign for Glycogen storage disease, type II. Last evaluated: 2020-01-22. Review status: criteria provided, single submitter. Criteria: ACMG Guidelines, 2015. Collection method: curation. Allele origin: germline. Inheritance: Autosomal recessive inheritance.
Comment: The p.Leu826= variant in GAA has been reported as a benign variant (by Invitae), a likely benign variant (by GeneDx and EGL), and a VUS (by Illumina) in ClinVar (Variation ID: 285676). This variant has been identified in 1.233% (238/19306) of East Asian chromosomes, including 3 homozygotes as well as other populations at lesser frequencies by the Genome Aggregation Database (gnomAD; dbSNP rs201183207). This variant has been seen in the general population at a frequency high enough to rule out a pathogenic role. Computational prediction tools, including splice predictors, and conservation analyses suggest that this variant may not impact the protein, though this information is not predictive enough to rule out pathogenicity. In summary, this variant meets criteria to be classified as benign for Glycogen Storage Disease II in an autosomal recessive manner based on its frequency in the general population. ACMG/AMP Criteria applied: BA1, BP7, BP4 (Richards 2015).

Illumina Laboratory Services, Illumina
Classification: Likely benign for Glycogen storage disease, type II. Last evaluated: 2018-01-13. Review status: criteria provided, single submitter. Criteria: ICSL Variant Classification Criteria 13 December 2019. Collection method: clinical testing. Allele origin: germline.
Comment: This variant was observed in the ICSL laboratory as part of a predisposition screen in an ostensibly healthy population. It had not been previously curated by ICSL or reported in the Human Gene Mutation Database (HGMD: prior to June 1st, 2018), and was therefore a candidate for classification through an automated scoring system. Utilizing variant allele frequency, disease prevalence and penetrance estimates, and inheritance mode, an automated score was calculated to assess if this variant is too frequent to cause the disease. Based on the score and internal cut-off values, a variant classified as likely benign is not then subjected to further curation. The score for this variant resulted in a classification of likely benign for this disease.

Eurofins Ntd Llc (ga)
Classification: Likely benign. Last evaluated: 2016-01-25. Review status: criteria provided, single submitter. Criteria: EGL Classification Definitions 2015. Collection method: clinical testing. Allele origin: germline. Observed: 1 variant allele, 1 heterozygote.

Natera, Inc.
Classification: Likely benign for Glycogen storage disease type II. Last evaluated: 2019-10-24. Review status: no assertion criteria provided. Collection method: clinical testing. Allele origin: germline. Not counted in ClinVar's aggregate classification.

NM_000152.5(GAA):c.2478G>A (p.Leu826=)

Gene: GAA (alpha glucosidase; plus strand). Cytogenetic location: 17q25.3.
Variant type: single nucleotide variant.
Coding change: c.2478G>A on transcript NM_000152.5 (MANE Select); coding-DNA position 2478, G replaced by A.
Protein change: p.Leu826=; no amino-acid change (leucine 826 retained).
Molecular consequence: synonymous variant.
Genome position (GRCh38, 1-based): chr17:80,117,746, G>A. VCF-style: chr17-80117746-G-A. GRCh37 (hg19) VCF-style: chr17-78091545-G-A.
Other names: c.2478G>A (LRG_673t1); c.2478G>A, p.Leu826= (NM_001079803.3, NM_001079804.3).
Identifiers: ClinVar variation 285676 (VCV000285676.32), dbSNP rs201183207, ClinGen allele CA8815751.